The following is an entry in ClinVar:

NM_001005373.4(LRSAM1):c.822G>A (p.Leu274=)

Gene: LRSAM1 (leucine rich repeat and sterile alpha motif containing 1; plus strand). Cytogenetic location: 9q33.3.
Variant type: single nucleotide variant.
Coding change: c.822G>A on transcript NM_001005373.4 (MANE Select); coding-DNA position 822, G replaced by A.
Protein change: p.Leu274=; no amino-acid change (leucine 274 retained).
Molecular consequence: synonymous variant. On other transcripts: non-coding transcript variant (2).
Genome position (GRCh38, 1-based): chr9:127,479,424, G>A. VCF-style: chr9-127479424-G-A. GRCh37 (hg19) VCF-style: chr9-130241703-G-A.
Other names: c.822G>A, p.Leu274= (NM_001005374.4, NM_001190723.3, NM_001384142.1 and 2 more transcripts); c.33G>A, p.Leu11= (NM_001384144.1).
Identifiers: ClinVar variation 697969 (VCV000697969.12), dbSNP rs146079606, ClinGen allele CA5246718.
Genomic context (GRCh38, chr9:127,479,424, plus strand): 5'-CAGGATCTGTGTCTTGCAGGAACAGAAGATGCTGGAGAAACTCGAGTTTGAACGGCGCCT[G>A]GAACTGGGGCAGCGGGAGCACACCCAGCTCCTTCAGCAGAGCAGCAGCCAGAAGGATGAG-3'
Protein context (NP_001005373.1, residues 264-284): MLEKLEFERR[Leu274=]ELGQREHTQL

ClinVar aggregate classification (germline): Likely benign. Review status: criteria provided, multiple submitters, no conflicts (2 of 4 stars). 3 submissions from 3 submitters: Likely benign (3). Last evaluated 2025-10-01.

Conditions:
Charcot-Marie-Tooth disease. Also called: Charcot-Marie-Tooth Hereditary Neuropathy; Charcot-Marie-Tooth Neuropathy. Identifiers: Orphanet 166, MedGen C0007959, MONDO:0015626.
LRSAM1-related disorder. Also called: LRSAM1-related condition.
Charcot-Marie-Tooth disease axonal type 2P. Also called: Charcot-Marie-Tooth Neuropathy Type 2G; CHARCOT-MARIE-TOOTH NEUROPATHY, TYPE 2P; CHARCOT-MARIE-TOOTH DISEASE, AXONAL, TYPE 2G; CMT 2G. Identifiers: Orphanet 300319, Orphanet 99941, MedGen C3280797, MONDO:0013753, OMIM 614436.

Allele frequency attached by ClinVar (database versions not stated): gnomAD 0.00004; gnomAD exomes 0.00008 and 0.00013; TOPMed 0.00008; ExAC 0.00010; ESP Exome Variant Server 0.00015.
gnomAD v4.1: 194 of 1,614,070 alleles (0.012%); highest among the groups gnomAD compares: Non-Finnish European, 0.015%; no homozygotes.

Submissions (3):

Labcorp Genetics (formerly Invitae), Labcorp
Classification: Likely benign for Charcot-Marie-Tooth disease axonal type 2P. Last evaluated: 2025-10-01. Review status: criteria provided, single submitter. Criteria: Invitae Variant Classification Sherloc (09022015). Collection method: clinical testing. Allele origin: germline.

PreventionGenetics, part of Exact Sciences
Classification: Likely benign for LRSAM1-related condition. Last evaluated: 2025-04-18. Review status: criteria provided, single submitter. Criteria: ACMG Guidelines, 2015. Collection method: clinical testing. Allele origin: germline.
Comment: This variant is classified as likely benign based on ACMG/AMP sequence variant interpretation guidelines (Richards et al. 2015 PMID: 25741868, with internal and published modifications).

Molecular Genetics Laboratory, London Health Sciences Centre
Classification: Likely benign for Charcot-Marie-Tooth disease. Review status: criteria provided, single submitter. Criteria: ACMG Guidelines, 2015. Collection method: clinical testing. Allele origin: germline. Affected: yes.